The following is an entry in ClinVar:

ClinVar aggregate classification (germline): Uncertain significance (1 of 4 stars; one submission).

Submission:

GeneDx
Classification: Uncertain significance. Last evaluated: 2019-10-21. Review status: criteria provided, single submitter. Criteria: GeneDx Variant Classification Process June 2021. Collection method: clinical testing. Allele origin: germline. Affected: yes.
Comment: Not observed in large population cohorts (Lek et al., 2016); In silico analysis, which includes protein predictors and evolutionary conservation, supports a deleterious effect; Has not been previously published as pathogenic or benign to our knowledge

NM_015338.6(ASXL1):c.1445C>T (p.Pro482Leu)

Gene: ASXL1 (ASXL transcriptional regulator 1; plus strand). Cytogenetic location: 20q11.21.
Variant type: single nucleotide variant.
Coding change: c.1445C>T on transcript NM_015338.6 (MANE Select); coding-DNA position 1445, C replaced by T.
Protein change: p.Pro482Leu; replaces proline 482 with leucine.
Molecular consequence: missense variant.
Genome position (GRCh38, 1-based): chr20:32,433,643, C>T. VCF-style: chr20-32433643-C-T. GRCh37 (hg19) VCF-style: chr20-31021446-C-T.
Other names: c.1262C>T, p.Pro421Leu (NM_001363734.1); short protein forms P421L, P482L.
Identifiers: ClinVar variation 1318684 (VCV001318684.2), dbSNP rs2123263264, ClinGen allele CA408556585.